The following is an entry in ClinVar:

NC_000023.10:g.(?_148564277)_(148586667_?)del

Gene: IDS (iduronate 2-sulfatase; minus strand). Cytogenetic location: Xq28.
Variant type: Deletion.
Identifiers: ClinVar variation 2422576 (VCV002422576.3).

ClinVar aggregate classification (germline): Pathogenic (1 of 4 stars; one submission).

Conditions:
Mucopolysaccharidosis, MPS-II (MPS2). Also called: Attenuated MPS (subtype; formerly known as mild MPS II); Severe MPS II; I2S deficiency; MPS 2; Hunter Syndrome; IDURONATE 2-SULFATASE DEFICIENCY. Identifiers: Orphanet 580, Orphanet 79388, MedGen C0026705, MONDO:0010674, OMIM 309900.

Submission:

Labcorp Genetics (formerly Invitae), Labcorp
Classification: Pathogenic for Mucopolysaccharidosis, MPS-II. Last evaluated: 2022-09-24. Review status: criteria provided, single submitter. Criteria: Invitae Variant Classification Sherloc (09022015). Collection method: clinical testing. Allele origin: germline.
Comment: A gross deletion of the genomic region encompassing the full coding sequence of the IDS gene has been identified. Loss-of-function variants in IDS are known to be pathogenic (PMID: 8940265, 9875019). The boundaries of this event are unknown as they extend beyond the assayed region for this gene and therefore may encompass additional genes. A similar copy number variant has been observed in individual(s) with mucopolysaccharidosis type II (PMID: 9921913). For these reasons, this variant has been classified as Pathogenic.

Literature cited by the submitters: PubMed 8940265; PubMed 9875019; PubMed 9921913.